The following is an entry in ClinVar:

NM_000368.5(TSC1):c.2864C>A (p.Thr955Asn)

Gene: TSC1 (TSC complex subunit 1; minus strand). Cytogenetic location: 9q34.13.
Variant type: single nucleotide variant.
Coding change: c.2864C>A on transcript NM_000368.5 (MANE Select); coding-DNA position 2864, C replaced by A.
Protein change: p.Thr955Asn; replaces threonine 955 with asparagine.
Molecular consequence: missense variant.
Genome position (GRCh38, 1-based): chr9:132,897,295, G>T on the plus strand (C>A on the coding strand, the complement: TSC1 is on the minus strand). VCF-style: chr9-132897295-G-T. GRCh37 (hg19) VCF-style: chr9-135772682-G-T.
Other names: c.2861C>A, p.Thr954Asn (NM_001162426.2); c.2711C>A, p.Thr904Asn (NM_001162427.2); c.2501C>A, p.Thr834Asn (NM_001362177.2); short protein forms T955N, T834N, T954N, T904N.
Identifiers: ClinVar variation 649567 (VCV000649567.11), dbSNP rs1488726432, ClinGen allele CA375368839.
Genomic context (GRCh38, chr9:132,897,295, plus strand): 5'-AGGAGGCCATCTTTCTCCAACCTGCCATATAAATCTAAGATCTCCAATTCAAACACCTGG[G>T]TTATCCTTTTCTGAGCCTCATACCTGCTCTCTGCGGCCTGCAGCTGTCCTCTGAAAGATA-3'
Protein context (NP_000359.1, residues 945-965): ESRYEAQKRI[Thr955Asn]QVFELEILDL

ClinVar aggregate classification (germline): Conflicting classifications of pathogenicity. Review status: criteria provided, conflicting classifications (1 of 4 stars). 3 submissions from 3 submitters: Uncertain significance (2); Likely benign (1). Last evaluated 2025-07-21.

Conditions:
Tuberous sclerosis 1 (TSC1). Identifiers: Orphanet 805, MedGen C1854465, MONDO:0008612, OMIM 191100.
Lymphangiomyomatosis (LAM). Also called: Lymphangioleiomyomatosis; Lymphangioleiomyomatosis, somatic. Identifiers: Orphanet 538, MedGen C0751674, MONDO:0011705, OMIM 606690.
Isolated focal cortical dysplasia type II (FCORD2). Also called: Focal cortical dysplasia type II; CORTICAL DYSPLASIA OF TAYLOR. Identifiers: Orphanet 268994, MedGen C1846385, MONDO:0011818, OMIM 607341, HP:0032051.
Hereditary cancer-predisposing syndrome. Also called: Hereditary Cancer Syndrome; Tumor predisposition; Neoplastic Syndromes, Hereditary; Hereditary neoplastic syndrome. Identifiers: Orphanet 140162, MedGen C0027672, MeSH D009386, MONDO:0015356.

Allele frequency attached by ClinVar (database versions not stated): gnomAD exomes below 0.00001.
gnomAD v4.1: 2 of 1,614,130 alleles (0.00012%); highest among the groups gnomAD compares: Admixed American, 0.0033%; no homozygotes.

Submissions (3):

Labcorp Genetics (formerly Invitae), Labcorp
Classification: Likely benign for Tuberous sclerosis 1. Last evaluated: 2025-07-21. Review status: criteria provided, single submitter. Criteria: Invitae Variant Classification Sherloc (09022015). Collection method: clinical testing. Allele origin: germline.

Fulgent Genetics
Classification: Uncertain significance for Tuberous sclerosis 1; Lymphangiomyomatosis; Isolated focal cortical dysplasia type II. Last evaluated: 2024-03-18. Review status: criteria provided, single submitter. Criteria: ACMG Guidelines, 2015. Collection method: clinical testing. Allele origin: germline.

Ambry Genetics
Classification: Uncertain significance for Hereditary cancer-predisposing syndrome. Last evaluated: 2022-11-19. Review status: criteria provided, single submitter. Criteria: Ambry Variant Classification Scheme 2023. Collection method: clinical testing. Allele origin: germline.
Comment: The p.T955N variant (also known as c.2864C>A), located in coding exon 20 of the TSC1 gene, results from a C to A substitution at nucleotide position 2864. The threonine at codon 955 is replaced by asparagine, an amino acid with similar properties. This amino acid position is conserved. In addition, this alteration is predicted to be tolerated by in silico analysis. Since supporting evidence is limited at this time, the clinical significance of this alteration remains unclear.